The following is an entry in ClinVar:

ClinVar aggregate classification (germline): Likely benign (1 of 4 stars; one submission).

Allele frequency attached by ClinVar (database versions not stated): ESP Exome Variant Server 0.00008; TOPMed 0.00016; gnomAD 0.00019; ExAC 0.00049; 1000 Genomes Project 0.00100; 1000 Genomes Project 30x 0.00125.
gnomAD v4.1: 367 of 1,613,938 alleles (0.023%); highest among the groups gnomAD compares: South Asian, 0.3%; 2 homozygotes.

Submission:

CeGaT Center for Human Genetics Tuebingen
Classification: Likely benign. Last evaluated: 2022-09-01. Review status: criteria provided, single submitter. Criteria: CeGaT Center For Human Genetics Tuebingen Variant Classification Criteria Version 2. Collection method: clinical testing. Allele origin: germline. Affected: yes. Observed: 1 variant allele.
Comment: ADCK2: BP4, BP7

NM_052853.4(ADCK2):c.1203G>A (p.Thr401=)

Gene: ADCK2 (aarF domain containing kinase 2; plus strand). Cytogenetic location: 7q34.
Variant type: single nucleotide variant.
Coding change: c.1203G>A on transcript NM_052853.4 (MANE Select); coding-DNA position 1203, G replaced by A.
Protein change: p.Thr401=; no amino-acid change (threonine 401 retained).
Molecular consequence: synonymous variant.
Genome position (GRCh38, 1-based): chr7:140,679,277, G>A. VCF-style: chr7-140679277-G-A. GRCh37 (hg19) VCF-style: chr7-140379077-G-A.
Identifiers: ClinVar variation 2658021 (VCV002658021.24), dbSNP rs141910091, ClinGen allele CA4516036.